The following is an entry in ClinVar:

NM_014159.7(SETD2):c.3545G>A (p.Gly1182Asp)

Gene: SETD2 (SET domain containing 2, histone lysine methyltransferase; minus strand). Cytogenetic location: 3p21.31.
Variant type: single nucleotide variant.
Coding change: c.3545G>A on transcript NM_014159.7 (MANE Select); coding-DNA position 3545, G replaced by A.
Protein change: p.Gly1182Asp; replaces glycine 1182 with aspartic acid.
Molecular consequence: missense variant. On other transcripts: non-coding transcript variant (1).
Genome position (GRCh38, 1-based): chr3:47,121,091, C>T on the plus strand (G>A on the coding strand, the complement: SETD2 is on the minus strand). VCF-style: chr3-47121091-C-T. GRCh37 (hg19) VCF-style: chr3-47162581-C-T.
Other names: c.3413G>A, p.Gly1138Asp (NM_001349370.3); short protein forms G1138D, G1182D.
Identifiers: ClinVar variation 1707302 (VCV001707302.2), dbSNP rs2106639742, ClinGen allele CA352522078.

ClinVar aggregate classification (germline): Uncertain significance (1 of 4 stars; one submission).

Submission:

GeneDx
Classification: Uncertain significance. Last evaluated: 2022-03-26. Review status: criteria provided, single submitter. Criteria: GeneDx Variant Classification Process June 2021. Collection method: clinical testing. Allele origin: germline. Affected: yes.
Comment: Not observed at significant frequency in large population cohorts (gnomAD); In silico analysis supports that this missense variant has a deleterious effect on protein structure/function; Has not been previously published as pathogenic or benign to our knowledge